The following is an entry in ClinVar:

ClinVar aggregate classification (germline): Uncertain significance (1 of 4 stars; one submission).

Conditions:
Cerebral arteriopathy, autosomal dominant, with subcortical infarcts and leukoencephalopathy, type 1 (CADASIL1). Also called: DEMENTIA, HEREDITARY MULTIINFARCT TYPE; CADASIL 1; CASIL; Cerebral arteriopathy with subcortical infarcts and leukoencephalopathy 1. Identifiers: Orphanet 136, MedGen C4551768, MONDO:0000914, OMIM 125310.

Allele frequency attached by ClinVar (database versions not stated): TOPMed below 0.00001.
gnomAD v4.1: 2 of 1,613,750 alleles (0.00012%); highest among the groups gnomAD compares: Non-Finnish European, 0.00017%; no homozygotes.

Submission:

Illumina Laboratory Services, Illumina
Classification: Uncertain significance for Cerebral arteriopathy, autosomal dominant, with subcortical infarcts and leukoencephalopathy, type 1. Last evaluated: 2020-01-07. Review status: criteria provided, single submitter. Criteria: ICSLVariantClassificationCriteria RUGD 01 April 2020. Collection method: clinical testing. Allele origin: unknown.
Comment: The NOTCH3 c.3230C>T (p.Thr1077Ile) variant is a missense variant. A literature search was performed for the gene, cDNA change, and amino acid change. No publications were found based on this search. The variant is reported at a frequency of 0.000065 in the European (non-Finnish) population from the Genome Aggregation Database though this is based on one allele in a region of good sequencing coverage so the variant is presumed to be rare. This variant is located in the twenty seventh EGF-like repeat of the extracellular domain, but does not impact a cysteine residue. Based on the limited evidence, the p.Thr1077Ile variant is classified as a variant of unknown significance for cerebral autosomal dominant arteriopathy with subcortical infarcts and leukoencephalopathy (CADASIL).

NM_000435.3(NOTCH3):c.3230C>T (p.Thr1077Ile)

Gene: NOTCH3 (notch receptor 3; minus strand). Cytogenetic location: 19p13.12.
Variant type: single nucleotide variant.
Coding change: c.3230C>T on transcript NM_000435.3 (MANE Select); coding-DNA position 3230, C replaced by T.
Protein change: p.Thr1077Ile; replaces threonine 1077 with isoleucine.
Molecular consequence: missense variant.
Genome position (GRCh38, 1-based): chr19:15,180,169, G>A on the plus strand (C>T on the coding strand, the complement: NOTCH3 is on the minus strand). VCF-style: chr19-15180169-G-A. GRCh37 (hg19) VCF-style: chr19-15290980-G-A.
Other names: short protein forms T1077I.
Identifiers: ClinVar variation 873516 (VCV000873516.4), dbSNP rs775809529, ClinGen allele CA305769993.